The following is an entry in ClinVar:

ClinVar aggregate classification (germline): Uncertain significance (1 of 4 stars; one submission).

Allele frequency attached by ClinVar (database versions not stated): gnomAD exomes below 0.00001.

Submission:

Ambry Genetics
Classification: Uncertain significance. Last evaluated: 2023-06-12. Review status: criteria provided, single submitter. Criteria: Ambry Variant Classification Scheme 2023. Collection method: clinical testing. Allele origin: germline.
Comment: The p.A160T variant (also known as c.478G>A), located in coding exon 4 of the RINT1 gene, results from a G to A substitution at nucleotide position 478. The alanine at codon 160 is replaced by threonine, an amino acid with similar properties. This amino acid position is conserved. In addition, this alteration is predicted to be tolerated by in silico analysis. Since supporting evidence is limited at this time, the clinical significance of this alteration remains unclear.

NM_021930.6(RINT1):c.478G>A (p.Ala160Thr)

Gene: RINT1 (RAD50 interactor 1; plus strand). Cytogenetic location: 7q22.3.
Variant type: single nucleotide variant.
Coding change: c.478G>A on transcript NM_021930.6 (MANE Select); coding-DNA position 478, G replaced by A.
Protein change: p.Ala160Thr; replaces alanine 160 with threonine.
Molecular consequence: missense variant. On other transcripts: 5 prime UTR variant (3), non-coding transcript variant (1).
Genome position (GRCh38, 1-based): chr7:105,542,612, G>A. VCF-style: chr7-105542612-G-A. GRCh37 (hg19) VCF-style: chr7-105183059-G-A.
Other names: c.244G>A, p.Ala82Thr (NM_001346599.2); c.-542G>A (NM_001346600.2); c.-445G>A (NM_001346601.2); c.-65G>A (NM_001346603.2); short protein forms A82T, A160T.
Identifiers: ClinVar variation 2563370 (VCV002563370.2), dbSNP rs2133373952, ClinGen allele CA368803871.